The following is an entry in ClinVar:

NM_024589.3(ROGDI):c.323G>A (p.Trp108Ter)

Gene: ROGDI (rogdi atypical leucine zipper; minus strand). Cytogenetic location: 16p13.3.
Variant type: single nucleotide variant.
Coding change: c.323G>A on transcript NM_024589.3 (MANE Select); coding-DNA position 323, G replaced by A.
Protein change: p.Trp108Ter; replaces tryptophan 108 with a stop codon.
Molecular consequence: nonsense. On other transcripts: non-coding transcript variant (1).
Genome position (GRCh38, 1-based): chr16:4,800,511, C>T on the plus strand (G>A on the coding strand, the complement: ROGDI is on the minus strand). VCF-style: chr16-4800511-C-T. GRCh37 (hg19) VCF-style: chr16-4850512-C-T.
Other names: short protein forms W108*.
Identifiers: ClinVar variation 3777587 (VCV003777587.1).

ClinVar aggregate classification (germline): Pathogenic (1 of 4 stars; one submission).

gnomAD v4.1: 3 of 1,557,444 alleles (0.00019%); highest among the groups gnomAD compares: South Asian, 0.0012%; no homozygotes.

Submission:

GeneDx
Classification: Pathogenic. Last evaluated: 2024-10-08. Review status: criteria provided, single submitter. Criteria: GeneDx Variant Classification Process June 2021. Collection method: clinical testing. Allele origin: germline. Affected: yes.
Comment: Nonsense variant predicted to result in protein truncation or nonsense mediated decay in a gene for which loss of function is a known mechanism of disease; Not observed at significant frequency in large population cohorts (gnomAD); Has not been previously published as pathogenic or benign to our knowledge